The following is an entry in ClinVar:

NM_018192.4(P3H2):c.1549-4del

Gene: P3H2 (prolyl 3-hydroxylase 2; minus strand). Cytogenetic location: 3q28.
Variant type: Deletion.
Coding change: c.1549-4del on transcript NM_018192.4 (MANE Select); 4 bases into the intron before coding-DNA position 1549, one base deleted (T; older notation c.1549-4delT).
Molecular consequence: intron variant.
Genome position (GRCh38, 1-based): chr3:189,973,028, A deleted on the plus strand (T on the coding strand, the reverse complement: P3H2 is on the minus strand); the first of 11 consecutive A bases (chr3:189,973,028-189,973,038); deleting any one gives the same sequence. VCF-style (leftmost placement, unchanged base first): chr3-189973027-GA-G. GRCh37 (hg19) VCF-style: chr3-189690816-GA-G.
Other names: c.1006-4del (NM_001134418.2); c.1549-4delT (NM_018192.3).
Identifiers: ClinVar variation 1164334 (VCV001164334.10), dbSNP rs71674435, ClinGen allele CA2752851.

ClinVar aggregate classification (germline): Benign/Likely benign. Review status: criteria provided, multiple submitters, no conflicts (2 of 4 stars). 3 submissions from 3 submitters: Benign (1); Likely benign (1). 1 of the submissions does not count toward it. Last evaluated 2025-10-20.

Conditions:
P3H2-related disorder. Also called: P3H2-related condition.

Submissions (3):

Labcorp Genetics (formerly Invitae), Labcorp
Classification: Benign. Last evaluated: 2025-10-20. Review status: criteria provided, single submitter. Criteria: Invitae Variant Classification Sherloc (09022015). Collection method: clinical testing. Allele origin: germline.

Blueprint Genetics
Classification: Likely benign. Last evaluated: 2023-05-15. Review status: criteria provided, single submitter. Criteria: ACMG Guidelines, 2015. Collection method: clinical testing. Allele origin: germline.

PreventionGenetics, part of Exact Sciences
Classification: Likely benign for P3H2-related condition. Last evaluated: 2019-12-02. Review status: no assertion criteria provided. Collection method: clinical testing. Allele origin: germline. Not counted in ClinVar's aggregate classification.
Comment: This variant is classified as likely benign based on ACMG/AMP sequence variant interpretation guidelines (Richards et al. 2015 PMID: 25741868, with internal and published modifications).